The following is an entry in ClinVar:

NM_000094.4(COL7A1):c.4426A>G (p.Ile1476Val)

Gene: COL7A1 (collagen type VII alpha 1 chain; minus strand). Cytogenetic location: 3p21.31.
Variant type: single nucleotide variant.
Coding change: c.4426A>G on transcript NM_000094.4 (MANE Select); coding-DNA position 4426, A replaced by G.
Protein change: p.Ile1476Val; replaces isoleucine 1476 with valine.
Molecular consequence: missense variant.
Genome position (GRCh38, 1-based): chr3:48,583,404, T>C on the plus strand (A>G on the coding strand, the complement: COL7A1 is on the minus strand). VCF-style: chr3-48583404-T-C. GRCh37 (hg19) VCF-style: chr3-48620837-T-C.
Other names: short protein forms I1476V.
Identifiers: ClinVar variation 2200761 (VCV002200761.4), dbSNP rs372158569, ClinGen allele CA2380039.

ClinVar aggregate classification (germline): Uncertain significance. Review status: criteria provided, multiple submitters, no conflicts (2 of 4 stars). 2 submissions from 2 submitters: Uncertain significance (2). Last evaluated 2025-03-15.

Conditions:
Inborn genetic diseases. Identifiers: MedGen C0950123, MeSH D030342.

Allele frequency attached by ClinVar (database versions not stated): TOPMed below 0.00001; ExAC 0.00001; gnomAD 0.00001; gnomAD exomes 0.00001; ESP Exome Variant Server 0.00008.

Submissions (2):

Ambry Genetics
Classification: Uncertain significance for Inborn genetic diseases. Last evaluated: 2025-03-15. Review status: criteria provided, single submitter. Criteria: Ambry Variant Classification Scheme 2023. Collection method: clinical testing. Allele origin: germline.

Labcorp Genetics (formerly Invitae), Labcorp
Classification: Uncertain significance. Last evaluated: 2025-01-06. Review status: criteria provided, single submitter. Criteria: Invitae Variant Classification Sherloc (09022015). Collection method: clinical testing. Allele origin: germline.
Comment: This sequence change replaces isoleucine, which is neutral and non-polar, with valine, which is neutral and non-polar, at codon 1476 of the COL7A1 protein (p.Ile1476Val). This variant is present in population databases (rs372158569, gnomAD 0.002%). This variant has not been reported in the literature in individuals affected with COL7A1-related conditions. ClinVar contains an entry for this variant (Variation ID: 2200761). Invitae Evidence Modeling of protein sequence and biophysical properties (such as structural, functional, and spatial information, amino acid conservation, physicochemical variation, residue mobility, and thermodynamic stability) indicates that this missense variant is not expected to disrupt COL7A1 protein function with a negative predictive value of 95%. In summary, the available evidence is currently insufficient to determine the role of this variant in disease. Therefore, it has been classified as a Variant of Uncertain Significance.